The following is an entry in ClinVar:

ClinVar aggregate classification (germline): Pathogenic (1 of 4 stars; one submission).

Conditions:
Nance-Horan syndrome (NHS). Identifiers: Orphanet 627, MedGen C0796085, MONDO:0010545, OMIM 302350.

Submission:

Labcorp Genetics (formerly Invitae), Labcorp
Classification: Pathogenic for Nance-Horan syndrome. Last evaluated: 2023-12-02. Review status: criteria provided, single submitter. Criteria: Invitae Variant Classification Sherloc (09022015). Collection method: clinical testing. Allele origin: germline.
Comment: This sequence change creates a premature translational stop signal (p.Gly29Glufs*167) in the NHS gene. It is expected to result in an absent or disrupted protein product. Loss-of-function variants in NHS are known to be pathogenic (PMID: 14564667, 19414485). This variant is not present in population databases (gnomAD no frequency). This variant has not been reported in the literature in individuals affected with NHS-related conditions. For these reasons, this variant has been classified as Pathogenic.

Literature cited by the submitters: PubMed 14564667; PubMed 19414485.

NM_001291867.2(NHS):c.86del (p.Gly29fs)

Gene: NHS (NHS actin remodeling regulator; plus strand). Cytogenetic location: Xp22.2.
Variant type: Deletion.
Coding change: c.86del on transcript NM_001291867.2 (MANE Select); coding-DNA position 86, one base deleted (G; older notation c.86delG).
Protein change: p.Gly29fs; shifts the reading frame from glycine 29.
Molecular consequence: frameshift variant.
Genome position (GRCh38, 1-based): chrX:17,375,843, G deleted; the last of 2 consecutive G bases (chrX:17,375,842-17,375,843); deleting either gives the same sequence. VCF-style (leftmost placement, unchanged base first): chrX-17375841-CG-C. GRCh37 (hg19) VCF-style: chrX-17393964-CG-C.
Other names: c.86del, p.Gly29fs (NM_198270.4); short protein forms G29fs.
Identifiers: ClinVar variation 2698992 (VCV002698992.3), dbSNP rs2519619288, ClinGen allele CA2697552868.